The following is an entry in ClinVar:

NM_000391.4(TPP1):c.1669C>A (p.Leu557Met)

Gene: TPP1 (tripeptidyl peptidase 1; minus strand). Cytogenetic location: 11p15.4.
Variant type: single nucleotide variant.
Coding change: c.1669C>A on transcript NM_000391.4 (MANE Select); coding-DNA position 1669, C replaced by A.
Protein change: p.Leu557Met; replaces leucine 557 with methionine.
Molecular consequence: missense variant.
Genome position (GRCh38, 1-based): chr11:6,614,569, G>T on the plus strand (C>A on the coding strand, the complement: TPP1 is on the minus strand). VCF-style: chr11-6614569-G-T. GRCh37 (hg19) VCF-style: chr11-6635800-G-T.
Other names: short protein forms L557M.
Identifiers: ClinVar variation 939944 (VCV000939944.9), dbSNP rs1855546019, ClinGen allele CA379471964.
Genomic context (GRCh38, chr11:6,614,569, plus strand): 5'-GGGCAGGGGACAAGCCATCTCTCCTGATAGGAAAGGGTCAGGGGTTGAGTAGAGTCTTCA[G>T]CAAAGCTGGGAAGTTGGGTGTTCCCCAGCCTGTTACAGGATCCCAGCCAGGACCAGAGCA-3'
Protein context (NP_000382.3, residues 547-563): GWGTPNFPAL[Leu557Met]KTLLNP

ClinVar aggregate classification (germline): Uncertain significance (1 of 4 stars; one submission).

Allele frequency attached by ClinVar (database versions not stated): gnomAD exomes below 0.00001.
gnomAD v4.1: 1 of 1,614,108 alleles (0.000062%); highest among the groups gnomAD compares: Admixed American, 0.0017%; no homozygotes.

Submission:

Labcorp Genetics (formerly Invitae), Labcorp
Classification: Uncertain significance. Last evaluated: 2019-07-05. Review status: criteria provided, single submitter. Criteria: Invitae Variant Classification Sherloc (09022015). Collection method: clinical testing. Allele origin: germline.
Comment: This sequence change replaces leucine with methionine at codon 557 of the TPP1 protein (p.Leu557Met). The leucine residue is highly conserved and there is a small physicochemical difference between leucine and methionine. This variant is not present in population databases (ExAC no frequency). This variant has not been reported in the literature in individuals with TPP1-related conditions. In summary, the available evidence is currently insufficient to determine the role of this variant in disease. Therefore, it has been classified as a Variant of Uncertain Significance. Algorithms developed to predict the effect of missense changes on protein structure and function are either unavailable or do not agree on the potential impact of this missense change (SIFT: "Deleterious"; PolyPhen-2: "Probably Damaging"; Align-GVGD: "Class C0").